The following is an entry in ClinVar:

NM_178857.6(RP1L1):c.1491G>C (p.Gly497=)

Gene: RP1L1 (RP1 like 1). Cytogenetic location: 8p23.1.
Variant type: single nucleotide variant.
Coding change: c.1491G>C on transcript NM_178857.6 (MANE Select); coding-DNA position 1491, G replaced by C.
Protein change: p.Gly497=; no amino-acid change (glycine 497 retained).
Molecular consequence: synonymous variant.
Genome position (GRCh38, 1-based): chr8:10,612,607, C>G on the plus strand (G>C on the coding strand, the complement: RP1L1 is on the minus strand). VCF-style: chr8-10612607-C-G. GRCh37 (hg19) VCF-style: chr8-10470117-C-G.
Other names: c.1491G>C (NM_178857.5).
Identifiers: ClinVar variation 3028043 (VCV003028043.4), dbSNP rs572812408, ClinGen allele CA4625154.

ClinVar aggregate classification (germline): Likely benign. Review status: criteria provided, multiple submitters, no conflicts (2 of 4 stars). 3 submissions from 3 submitters: Likely benign (2). 1 of the submissions does not count toward it. Last evaluated 2024-10-11.

Conditions:
RP1L1-related disorder. Also called: RP1L1-related condition.
Retinal dystrophy. Also called: Inherited retinal dystrophy. Identifiers: Orphanet 71862, MedGen C0854723, MeSH D058499, MONDO:0019118, HP:0000556.

Allele frequency attached by ClinVar (database versions not stated): gnomAD 0.00014; TOPMed 0.00017; ExAC 0.00035; 1000 Genomes Project 0.00080; 1000 Genomes Project 30x 0.00094.
gnomAD v4.1: 141 of 1,602,762 alleles (0.0088%); highest among the groups gnomAD compares: East Asian, 0.29%; 1 homozygote.

Submissions (3):

Blueprint Genetics
Classification: Likely benign. Last evaluated: 2024-10-11. Review status: criteria provided, single submitter. Criteria: ACMG Guidelines, 2015. Collection method: clinical testing. Allele origin: germline.

Dept Of Ophthalmology, Nagoya University
Classification: Likely benign for Retinal dystrophy. Last evaluated: 2023-10-01. Review status: criteria provided, single submitter. Criteria: Submitter's publication. Collection method: research. Allele origin: germline. Affected: yes.

PreventionGenetics, part of Exact Sciences
Classification: Benign for RP1L1-related condition. Last evaluated: 2019-05-24. Review status: no assertion criteria provided. Collection method: clinical testing. Allele origin: germline. Not counted in ClinVar's aggregate classification.
Comment: This variant is classified as benign based on ACMG/AMP sequence variant interpretation guidelines (Richards et al. 2015 PMID: 25741868, with internal and published modifications).